The following is an entry in ClinVar:

NM_004332.4(BPHL):c.387G>A (p.Lys129=)

Gene: BPHL (biphenyl hydrolase like; plus strand). Cytogenetic location: 6p25.2.
Variant type: single nucleotide variant.
Coding change: c.387G>A on transcript NM_004332.4 (MANE Select); coding-DNA position 387, G replaced by A.
Protein change: p.Lys129=; no amino-acid change (lysine 129 retained).
Molecular consequence: synonymous variant. On other transcripts: non-coding transcript variant (2).
Genome position (GRCh38, 1-based): chr6:3,129,053, G>A. VCF-style: chr6-3129053-G-A. GRCh37 (hg19) VCF-style: chr6-3129287-G-A.
Other names: c.336G>A, p.Lys112= (NM_001302777.1).
Identifiers: ClinVar variation 2656183 (VCV002656183.24), dbSNP rs145702455, ClinGen allele CA3618731.

ClinVar aggregate classification (germline): Likely benign (1 of 4 stars; one submission).

Allele frequency attached by ClinVar (database versions not stated): 1000 Genomes Project 30x 0.00016; 1000 Genomes Project 0.00020; ExAC 0.00030; gnomAD 0.00035; TOPMed 0.00046; ESP Exome Variant Server 0.00062.
gnomAD v4.1: 1,234 of 1,614,274 alleles (0.076%); highest among the groups gnomAD compares: Non-Finnish European, 0.099%; 1 homozygote.

Submission:

CeGaT Center for Human Genetics Tuebingen
Classification: Likely benign. Last evaluated: 2022-07-01. Review status: criteria provided, single submitter. Criteria: CeGaT Center For Human Genetics Tuebingen Variant Classification Criteria Version 2. Collection method: clinical testing. Allele origin: germline. Affected: yes. Observed: 1 variant allele.
Comment: BPHL: BP4, BP7